The following is an entry in ClinVar:

NM_000719.7(CACNA1C):c.130C>G (p.Pro44Ala)

Gene: CACNA1C (calcium voltage-gated channel subunit alpha1 C; plus strand). Cytogenetic location: 12p13.33.
Variant type: single nucleotide variant.
Coding change: c.130C>G on transcript NM_000719.7 (MANE Select); coding-DNA position 130, C replaced by G.
Protein change: p.Pro44Ala; replaces proline 44 with alanine.
Molecular consequence: missense variant.
Genome position (GRCh38, 1-based): chr12:2,115,304, C>G. VCF-style: chr12-2115304-C-G. GRCh37 (hg19) VCF-style: chr12-2224470-C-G.
Other names: c.130C>G, p.Pro44Ala (NM_001129827.2, NM_001129829.2, NM_001129830.3 and 19 more transcripts); short protein forms P44A.
Identifiers: ClinVar variation 373514 (VCV000373514.13), dbSNP rs1057518456, ClinGen allele CA16042790.

ClinVar aggregate classification (germline): Uncertain significance. Review status: criteria provided, multiple submitters, no conflicts (2 of 4 stars). 5 submissions from 5 submitters: Uncertain significance (5). Last evaluated 2025-12-08.

Conditions:
Brugada syndrome. Also called: Sudden unexplained nocturnal death syndrome; Sudden Unexplained Death Syndrome; Sudden Unexplained Nocturnal Death Syndrome (SUNDS); Sudden unexpected nocturnal death syndrome. Identifiers: Orphanet 130, MedGen C1142166, MONDO:0015263.
Cardiovascular phenotype. Identifiers: MedGen CN230736.
Long QT syndrome (LQTS). Identifiers: MedGen C0023976, MeSH D008133, MONDO:0002442. Disease mechanism: loss of function. Inheritance: Various modes of inheritance.

Allele frequency attached by ClinVar (database versions not stated): TOPMed 0.00002; gnomAD exomes below 0.00001; gnomAD 0.00001.
gnomAD v4.1: 8 of 1,594,066 alleles (0.0005%); highest among the groups gnomAD compares: Non-Finnish European, 0.00068%; no homozygotes.

Submissions (5):

Labcorp Genetics (formerly Invitae), Labcorp
Classification: Uncertain significance for Long QT syndrome. Last evaluated: 2025-12-08. Review status: criteria provided, single submitter. Criteria: Invitae Variant Classification Sherloc (09022015). Collection method: clinical testing. Allele origin: germline.
Comment: This sequence change replaces proline, which is neutral and non-polar, with alanine, which is neutral and non-polar, at codon 44 of the CACNA1C protein (p.Pro44Ala). This variant is not present in population databases (gnomAD no frequency). This variant has not been reported in the literature in individuals affected with CACNA1C-related conditions. ClinVar contains an entry for this variant (Variation ID: 373514). Invitae Evidence Modeling of protein sequence and biophysical properties (such as structural, functional, and spatial information, amino acid conservation, physicochemical variation, residue mobility, and thermodynamic stability) indicates that this missense variant is not expected to disrupt CACNA1C protein function with a negative predictive value of 95%. In summary, the available evidence is currently insufficient to determine the role of this variant in disease. Therefore, it has been classified as a Variant of Uncertain Significance.

Ambry Genetics
Classification: Uncertain significance for Cardiovascular phenotype. Last evaluated: 2023-12-19. Review status: criteria provided, single submitter. Criteria: Ambry Variant Classification Scheme 2023. Collection method: clinical testing. Allele origin: germline.
Comment: The p.P44A variant (also known as c.130C>G), located in coding exon 2 of the CACNA1C gene, results from a C to G substitution at nucleotide position 130. The proline at codon 44 is replaced by alanine, an amino acid with highly similar properties. This amino acid position is well conserved in available vertebrate species; however, alanine is the reference amino acid in other vertebrate species. In addition, the in silico prediction for this alteration is inconclusive. Since supporting evidence is limited at this time, the clinical significance of this alteration remains unclear.

Revvity Omics, Revvity
Classification: Uncertain significance. Last evaluated: 2022-01-20. Review status: criteria provided, single submitter. Criteria: ACMG Guidelines, 2015. Collection method: clinical testing. Allele origin: germline.

GeneDx
Classification: Uncertain significance. Last evaluated: 2016-12-06. Review status: criteria provided, single submitter. Criteria: GeneDx Variant Classification (06012015). Collection method: clinical testing. Allele origin: germline. Affected: yes.
Comment: The P44A variant in the CACNA1C gene has not been reported previously as a pathogenic variant, nor as a benign variant, to our knowledge. The P44A variant was not observed in approximately 6000 individuals of European and African American ancestry in the NHLBI Exome Sequencing Project, indicating it is not a common benign variant in these populations. The P44A variant is a semi-conservative amino acid substitution, which may impact secondary protein structure as these residues differ in some properties. This substitution occurs at a position that is conserved in mammals. In silico analysis predicts this variant is probably damaging to the protein structure/function. We interpret P44A as a variant of uncertain significance.

CSER _CC_NCGL, University of Washington
Classification: Uncertain significance for Brugada syndrome. Last evaluated: 2016-10-01. Review status: criteria provided, single submitter. Criteria: Amendola et al. (Genome Res. 2015). Collection method: research. Allele origin: germline. Affected: no. Study: CSER - NEXT Medicine variant annotation.
Comment: This interpretation considers GERP score and allele frequency data, in addition to published reports of the variant in the literature, available at the time of review.